The following is an entry in ClinVar:

NM_000388.4(CASR):c.422T>C (p.Val141Ala)

Gene: CASR (calcium sensing receptor; plus strand). Cytogenetic location: 3q21.1.
Variant type: single nucleotide variant.
Coding change: c.422T>C on transcript NM_000388.4 (MANE Select); coding-DNA position 422, T replaced by C.
Protein change: p.Val141Ala; replaces valine 141 with alanine.
Molecular consequence: missense variant.
Genome position (GRCh38, 1-based): chr3:122,257,317, T>C. VCF-style: chr3-122257317-T-C. GRCh37 (hg19) VCF-style: chr3-121976164-T-C.
Other names: c.422T>C, p.Val141Ala (NM_001178065.2); short protein forms V141A.
Identifiers: ClinVar variation 426474 (VCV000426474.2), dbSNP rs1085307643, ClinGen allele CA354362868.

ClinVar aggregate classification (germline): Uncertain significance (1 of 4 stars; one submission).

Submission:

GeneDx
Classification: Uncertain significance. Last evaluated: 2017-04-14. Review status: criteria provided, single submitter. Criteria: GeneDx Variant Classification (06012015). Collection method: clinical testing. Allele origin: germline. Affected: yes.
Comment: The V141A variant has not been published as a pathogenic variant, nor has it been reported as a benign variant to our knowledge. The variant is not observed in large population cohorts (Lek et al., 2016; 1000 Genomes Consortium et al., 2015; Exome Variant Server). V141A is a conservative amino acid substitution, which is not likely to impact secondary protein structure as these residues share similar properties. However, this substitution occurs at a position that is conserved across species, and in silico analysis predicts this variant is probably damaging to the protein structure/function. In summary, based on the currently available information, it is unclear whether this variant is a pathogenic variant or a rare benign variant.